The following is an entry in ClinVar:

NM_001252.5(CD70):c.477G>A (p.Thr159=)

Gene: CD70 (CD70 molecule; minus strand). Cytogenetic location: 19p13.3.
Variant type: single nucleotide variant.
Coding change: c.477G>A on transcript NM_001252.5 (MANE Select); coding-DNA position 477, G replaced by A.
Protein change: p.Thr159=; no amino-acid change (threonine 159 retained).
Molecular consequence: synonymous variant. On other transcripts: intron variant (1).
Genome position (GRCh38, 1-based): chr19:6,586,125, C>T on the plus strand (G>A on the coding strand, the complement: CD70 is on the minus strand). VCF-style: chr19-6586125-C-T. GRCh37 (hg19) VCF-style: chr19-6586136-C-T.
Other names: c.448+29G>A (NM_001330332.2).
Identifiers: ClinVar variation 3047880 (VCV003047880.2), dbSNP rs778323980, ClinGen allele CA9127803.

ClinVar aggregate classification (germline): Likely benign (0 of 4 stars; one submission).

Conditions:
CD70-related disorder. Also called: CD70-related condition.

Allele frequency attached by ClinVar (database versions not stated): TOPMed below 0.00001.

Submission:

PreventionGenetics, part of Exact Sciences
Classification: Likely benign for CD70-related condition. Last evaluated: 2019-02-22. Review status: no assertion criteria provided. Collection method: clinical testing. Allele origin: germline.
Comment: This variant is classified as likely benign based on ACMG/AMP sequence variant interpretation guidelines (Richards et al. 2015 PMID: 25741868, with internal and published modifications).